The following is an entry in ClinVar:

ClinVar aggregate classification (germline): Uncertain significance (1 of 4 stars; one submission).

Conditions:
IFT172-related disorder. Also called: IFT172-related condition; IFT172-related disorders.

Submission:

PreventionGenetics, part of Exact Sciences
Classification: Uncertain significance for IFT172-related condition. Last evaluated: 2024-12-18. Review status: criteria provided, single submitter. Criteria: ACMG Guidelines, 2015. Collection method: clinical testing. Allele origin: germline.
Comment: The IFT172 c.4109A>T variant is predicted to result in the amino acid substitution p.Glu1370Val. To our knowledge, this variant has not been reported in the literature or in a large population database (gnomAD), indicating this variant is rare. At this time, the clinical significance of this variant is uncertain due to the absence of conclusive functional and genetic evidence.

NM_015662.3(IFT172):c.4109A>T (p.Glu1370Val)

Gene: IFT172 (intraflagellar transport 172; minus strand). Cytogenetic location: 2p23.3.
Variant type: single nucleotide variant.
Coding change: c.4109A>T on transcript NM_015662.3 (MANE Select); coding-DNA position 4109, A replaced by T.
Protein change: p.Glu1370Val; replaces glutamic acid 1370 with valine.
Molecular consequence: missense variant.
Genome position (GRCh38, 1-based): chr2:27,449,742, T>A on the plus strand (A>T on the coding strand, the complement: IFT172 is on the minus strand). VCF-style: chr2-27449742-T-A. GRCh37 (hg19) VCF-style: chr2-27672609-T-A.
Other names: c.4043A>T, p.Glu1348Val (NM_001410739.1); short protein forms E1370V, E1348V.
Identifiers: ClinVar variation 4999038 (VCV004999038.1).
Genomic context (GRCh38, chr2:27,449,742, plus strand): 5'-CAAGCTTACCTGGGATCTAACTCCTTAGCTACACGCTTCGCCTTGTTCCACTCCTCACCC[T>A]CGATGAAAGCATCGATTGCTTCCTTGACAAGGTCCAGATTCAGATAGAGCTCTGCAGCCT-3'
Protein context (NP_056477.1, residues 1360-1380): LVKEAIDAFI[Glu1370Val]GEEWNKAKRV